The following is an entry in ClinVar:

NM_000038.6(APC):c.4046A>T (p.His1349Leu)

Gene: APC (APC regulator of Wnt signaling pathway; plus strand). Cytogenetic location: 5q22.2.
Variant type: single nucleotide variant.
Coding change: c.4046A>T on transcript NM_000038.6 (MANE Select); coding-DNA position 4046, A replaced by T.
Protein change: p.His1349Leu; replaces histidine 1349 with leucine.
Molecular consequence: missense variant.
Genome position (GRCh38, 1-based): chr5:112,839,640, A>T. VCF-style: chr5-112839640-A-T. GRCh37 (hg19) VCF-style: chr5-112175337-A-T.
Other names: c.4046A>T, p.His1349Leu (NM_001127510.3, NM_001354895.2); c.3992A>T, p.His1331Leu (NM_001127511.3); c.4100A>T, p.His1367Leu (NM_001354896.2); c.4076A>T, p.His1359Leu (NM_001354897.2); c.3971A>T, p.His1324Leu (NM_001354898.2); c.3962A>T, p.His1321Leu (NM_001354899.2); c.3923A>T, p.His1308Leu (NM_001354900.2); c.3869A>T, p.His1290Leu (NM_001354901.2); and 5 more; short protein forms H1066L, H1223L, H1321L, H1324L, H1189L, H1331L, H1290L, H1349L.
Identifiers: ClinVar variation 1394452 (VCV001394452.8), dbSNP rs748872251, ClinGen allele CA16030199.
Genomic context (GRCh38, chr5:112,839,640, plus strand): 5'-ACCCTAGAACCAAATCCAGCAGACTGCAGGGTTCTAGTTTATCTTCAGAATCAGCCAGGC[A>T]CAAAGCTGTTGAATTTTCTTCAGGAGCGAAATCTCCCTCCAAAAGTGGTGCTCAGACACC-3'
Protein context (NP_000029.2, residues 1339-1359): GSSLSSESAR[His1349Leu]KAVEFSSGAK

ClinVar aggregate classification (germline): Uncertain significance. Review status: criteria provided, multiple submitters, no conflicts (2 of 4 stars). 2 submissions from 2 submitters: Uncertain significance (2). Last evaluated 2022-05-23.

Conditions:
Hereditary cancer-predisposing syndrome. Also called: Neoplastic Syndromes, Hereditary; Hereditary neoplastic syndrome; Tumor predisposition; Hereditary Cancer Syndrome. Identifiers: Orphanet 140162, MedGen C0027672, MeSH D009386, MONDO:0015356.
Familial adenomatous polyposis 1 (FAP1). Also called: FAMILIAL ADENOMATOUS POLYPOSIS 1, ATTENUATED; POLYPOSIS, ADENOMATOUS INTESTINAL. Identifiers: MedGen C2713442, MONDO:0021056, OMIM 175100. Disease mechanism: loss of function.

Submissions (2):

Ambry Genetics
Classification: Uncertain significance for Hereditary cancer-predisposing syndrome. Last evaluated: 2022-05-23. Review status: criteria provided, single submitter. Criteria: Ambry Variant Classification Scheme 2023. Collection method: clinical testing. Allele origin: germline.
Comment: The p.H1349L variant (also known as c.4046A>T), located in coding exon 15 of the APC gene, results from an A to T substitution at nucleotide position 4046. The histidine at codon 1349 is replaced by leucine, an amino acid with similar properties. This amino acid position is conserved. In addition, in silico predictors for this gene do not accurately predict pathogenicity. Since supporting evidence is limited at this time, the clinical significance of this alteration remains unclear.

Labcorp Genetics (formerly Invitae), Labcorp
Classification: Uncertain significance for Familial adenomatous polyposis 1. Last evaluated: 2021-11-22. Review status: criteria provided, single submitter. Criteria: Invitae Variant Classification Sherloc (09022015). Collection method: clinical testing. Allele origin: germline.
Comment: In summary, the available evidence is currently insufficient to determine the role of this variant in disease. Therefore, it has been classified as a Variant of Uncertain Significance. This variant is not present in population databases (gnomAD no frequency). Algorithms developed to predict the effect of missense changes on protein structure and function (SIFT, PolyPhen-2, Align-GVGD) all suggest that this variant is likely to be tolerated. This variant has not been reported in the literature in individuals affected with APC-related conditions. This sequence change replaces histidine, which is basic and polar, with leucine, which is neutral and non-polar, at codon 1349 of the APC protein (p.His1349Leu).